The following is an entry in ClinVar:

NM_007294.4(BRCA1):c.4243_4244insT (p.Glu1415fs)

Gene: BRCA1 (BRCA1 DNA repair associated; minus strand). Cytogenetic location: 17q21.31.
Variant type: Insertion.
Coding change: c.4243_4244insT on transcript NM_007294.4 (MANE Select); coding-DNA positions 4243 to 4244, T inserted.
Protein change: p.Glu1415fs; shifts the reading frame from glutamic acid 1415.
Molecular consequence: frameshift variant. On other transcripts: non-coding transcript variant (1).
Genome position: GRCh38 VCF-style: chr17-43082517-T-TA. GRCh37 (hg19) VCF-style: chr17-41234534-T-TA.
Other names: c.787_788insT, p.Glu263Valfs (NM_001408470.1); c.931_932insT, p.Glu311Valfs (NM_001408472.1, NM_001408473.1, NM_001407972.1 and 18 more transcripts); c.733_734insT, p.Glu245Valfs (NM_001408474.1, NM_001408476.1); c.730_731insT, p.Glu244Valfs (NM_001408475.1); c.724_725insT, p.Glu242Valfs (NM_001408478.1, NM_001408479.1, NM_001408480.1 and 6 more transcripts); c.721_722insT, p.Glu241Valfs (NM_001408489.1, NM_001408490.1, NM_001408491.1 and 3 more transcripts); c.694_695insT, p.Glu232Valfs (NM_001408494.1); c.691_692insT, p.Glu231Valfs (NM_001408495.1); and 54 more; short protein forms E312fs, E1368fs, E1415fs.
Identifiers: ClinVar variation 548281 (VCV000548281.2), dbSNP rs1555584178, ClinGen allele CA658825021.

ClinVar aggregate classification (germline): Pathogenic (3 of 4 stars; one submission).

Conditions:
Breast-ovarian cancer, familial, susceptibility to, 1 (BROVCA1). Also called: BRCA1 Hereditary Breast and Ovarian Cancer; OVARIAN CANCER, SUSCEPTIBILITY TO. Identifiers: Orphanet 145, MedGen C2676676, MONDO:0011450, OMIM 604370. Disease mechanism: loss of function.

Submission:

Evidence-based Network for the Interpretation of Germline Mutant Alleles (ENIGMA)
Classification: Pathogenic for Breast-ovarian cancer, familial, susceptibility to, 1. Last evaluated: 2017-12-15. Review status: reviewed by expert panel. Criteria: ENIGMA BRCA1/2 Classification Criteria (2017-06-29). Collection method: curation. Allele origin: germline. Study: ENIGMA.
Comment: Variant allele predicted to encode a truncated non-functional protein.